The following is an entry in ClinVar:

NM_031935.3(HMCN1):c.14229T>A (p.Asp4743Glu)

Gene: HMCN1 (hemicentin 1; plus strand). Cytogenetic location: 1q31.1.
Variant type: single nucleotide variant.
Coding change: c.14229T>A on transcript NM_031935.3 (MANE Select); coding-DNA position 14229, T replaced by A.
Protein change: p.Asp4743Glu; replaces aspartic acid 4743 with glutamic acid.
Molecular consequence: missense variant.
Genome position (GRCh38, 1-based): chr1:186,144,666, T>A. VCF-style: chr1-186144666-T-A. GRCh37 (hg19) VCF-style: chr1-186113798-T-A.
Other names: c.14229T>A (NM_031935.2); short protein forms D4743E.
Identifiers: ClinVar variation 1442782 (VCV001442782.8), dbSNP rs746810106, ClinGen allele CA343915532.
Genomic context (GRCh38, chr1:186,144,666, plus strand): 5'-AACAAGGGGCTGCTCCGACCCTGTGCCCCAGTATGGAGGAAGGAAATGCGAAGGGAGTGA[T>A]GTCCAGAGTGATTTTTGCAACAGTGACCCTTGCCCAAGTGAGTGTTGGAAATAGTGAGTC-3'
Protein context (NP_114141.2, residues 4733-4753): QYGGRKCEGS[Asp4743Glu]VQSDFCNSDP

ClinVar aggregate classification (germline): Uncertain significance. Review status: criteria provided, multiple submitters, no conflicts (2 of 4 stars). 3 submissions from 3 submitters: Uncertain significance (3). Last evaluated 2024-10-29.

Allele frequency attached by ClinVar (database versions not stated): gnomAD 0.00001; TOPMed 0.00002.
gnomAD v4.1: 9 of 1,614,012 alleles (0.00056%); highest among the groups gnomAD compares: Admixed American, 0.0017%; no homozygotes.

Submissions (3):

Ambry Genetics
Classification: Uncertain significance. Last evaluated: 2024-10-29. Review status: criteria provided, single submitter. Criteria: Ambry Variant Classification Scheme 2023. Collection method: clinical testing. Allele origin: germline.

Labcorp Genetics (formerly Invitae), Labcorp
Classification: Uncertain significance. Last evaluated: 2021-12-08. Review status: criteria provided, single submitter. Criteria: Invitae Variant Classification Sherloc (09022015). Collection method: clinical testing. Allele origin: germline.
Comment: This sequence change replaces aspartic acid, which is acidic and polar, with glutamic acid, which is acidic and polar, at codon 4743 of the HMCN1 protein (p.Asp4743Glu). This variant is present in population databases (no rsID available, gnomAD 0.0009%). This variant has not been reported in the literature in individuals affected with HMCN1-related conditions. Algorithms developed to predict the effect of missense changes on protein structure and function are either unavailable or do not agree on the potential impact of this missense change (SIFT: "Tolerated"; PolyPhen-2: "Probably Damaging"; Align-GVGD: "Class C0"). In summary, the available evidence is currently insufficient to determine the role of this variant in disease. Therefore, it has been classified as a Variant of Uncertain Significance.

Breakthrough Genomics
Classification: Uncertain significance. Review status: criteria provided, single submitter. Criteria: ACMG Guidelines, 2015. Collection method: not provided. Allele origin: germline. Inheritance: Autosomal dominant inheritance. Affected: yes.